The following is an entry in ClinVar:

ClinVar aggregate classification (germline): Likely benign. Review status: criteria provided, multiple submitters, no conflicts (2 of 4 stars). 4 submissions from 4 submitters: Likely benign (4). Last evaluated 2025-10-06.

Conditions:
GANAB-related disorder. Also called: GANAB-related condition.
Inborn genetic diseases. Identifiers: MedGen C0950123, MeSH D030342.

Allele frequency attached by ClinVar (database versions not stated): gnomAD exomes 0.00003; 1000 Genomes Project 30x 0.00016; 1000 Genomes Project 0.00020; ESP Exome Variant Server 0.00033; gnomAD 0.00035 and 0.00038; TOPMed 0.00036.

Submissions (4):

PreventionGenetics, part of Exact Sciences
Classification: Likely benign for GANAB-related condition. Last evaluated: 2025-10-06. Review status: criteria provided, single submitter. Criteria: ACMG Guidelines, 2015. Collection method: clinical testing. Allele origin: germline.
Comment: This variant is classified as likely benign based on ACMG/AMP sequence variant interpretation guidelines (Richards et al. 2015 PMID: 25741868, with internal and published modifications).

Labcorp Genetics (formerly Invitae), Labcorp
Classification: Likely benign. Last evaluated: 2025-09-16. Review status: criteria provided, single submitter. Criteria: Invitae Variant Classification Sherloc (09022015). Collection method: clinical testing. Allele origin: germline.

Mayo Clinic Laboratories, Mayo Clinic
Classification: Likely benign. Last evaluated: 2025-09-08. Review status: criteria provided, single submitter. Criteria: ACMG Guidelines, 2015. Collection method: clinical testing. Allele origin: germline. Observed: 1 variant allele.
Comment: BS1, BP4

Ambry Genetics
Classification: Likely benign for Inborn genetic diseases. Last evaluated: 2023-03-07. Review status: criteria provided, single submitter. Criteria: Ambry Variant Classification Scheme 2023. Collection method: clinical testing. Allele origin: germline.

NM_198334.3(GANAB):c.560+463A>G

Gene: GANAB (glucosidase II alpha subunit; minus strand). Cytogenetic location: 11q12.3.
Variant type: single nucleotide variant.
Coding change: c.560+463A>G on transcript NM_198334.3 (MANE Select); 463 bases into the intron after coding-DNA position 560, A replaced by G.
Molecular consequence: intron variant. On other transcripts: missense variant (2).
Genome position (GRCh38, 1-based): chr11:62,634,358, T>C on the plus strand (A>G on the coding strand, the complement: GANAB is on the minus strand). VCF-style: chr11-62634358-T-C. GRCh37 (hg19) VCF-style: chr11-62401830-T-C.
Other names: p.Asn193Ser; c.236A>G, p.Asn79Ser (NM_001278192.2); c.578A>G, p.Asn193Ser (NM_198335.4); c.218+463A>G (NM_001278193.2); c.269+463A>G (NM_001329223.2, NM_001278194.2, NM_001329222.2); c.-217+463A>G (NM_001329225.2, NM_001329224.2); c.578A>G (NM_198335.3, NM_198335.2); short protein forms N193S, N79S.
Identifiers: ClinVar variation 1581678 (VCV001581678.11), dbSNP rs190017236, ClinGen allele CA6051046.